The following is an entry in ClinVar:

ClinVar aggregate classification (germline): Uncertain significance (1 of 4 stars; one submission).

Submission:

GeneDx
Classification: Uncertain significance. Last evaluated: 2025-05-19. Review status: criteria provided, single submitter. Criteria: GeneDx Variant Classification Process June 2021. Collection method: clinical testing. Allele origin: germline. Affected: yes.
Comment: Not observed at significant frequency in large population cohorts (gnomAD); In silico analysis supports that this missense variant has a deleterious effect on protein structure/function; Has not been previously published as pathogenic or benign to our knowledge

NM_015021.3(ZNF292):c.20A>G (p.Glu7Gly)

Genes: ZNF292 (zinc finger protein 292; plus strand), LOC129996783 (ATAC-STARR-seq lymphoblastoid active region 24794; plus strand). Cytogenetic location: 6q14.3.
Variant type: single nucleotide variant.
Coding change: c.20A>G on transcript NM_015021.3 (MANE Select); coding-DNA position 20, A replaced by G.
Protein change: p.Glu7Gly; replaces glutamic acid 7 with glycine.
Molecular consequence: missense variant. On other transcripts: 5 prime UTR variant (1).
Genome position (GRCh38, 1-based): chr6:87,155,611, A>G. VCF-style: chr6-87155611-A-G. GRCh37 (hg19) VCF-style: chr6-87865329-A-G.
Other names: c.-546A>G (NM_001351444.2); short protein forms E7G.
Identifiers: ClinVar variation 4531060 (VCV004531060.1).